The following is an entry in ClinVar:

NM_001042492.3(NF1):c.574C>T (p.Arg192Ter)

Gene: NF1 (neurofibromin 1; plus strand). Cytogenetic location: 17q11.2.
Variant type: single nucleotide variant.
Coding change: c.574C>T on transcript NM_001042492.3 (MANE Select); coding-DNA position 574, C replaced by T.
Protein change: p.Arg192Ter; replaces arginine 192 with a stop codon.
Molecular consequence: nonsense.
Genome position (GRCh38, 1-based): chr17:31,169,985, C>T. VCF-style: chr17-31169985-C-T. GRCh37 (hg19) VCF-style: chr17-29497003-C-T.
Other names: p.Arg192*; c.574C>T, p.Arg192Ter (NM_000267.4, NM_001128147.3); short protein forms R192*.
Identifiers: ClinVar variation 40093 (VCV000040093.129), dbSNP rs397514641, ClinGen allele CA325787.

ClinVar aggregate classification (germline): Pathogenic. Review status: criteria provided, multiple submitters, no conflicts (2 of 4 stars). 38 submissions from 38 submitters: Pathogenic (33). 5 of the submissions do not count toward it. Last evaluated 2026-09-23.
ClinVar aggregate classification (somatic clinical impact): Tier I - Strong (1 of 4 stars; one submission).

Conditions:
NF1-related disorder. Also called: NF1-related condition. Identifiers: MedGen CN379171.
Cafe au lait spots, multiple. Also called: Neurofibromatosis type 6. Identifiers: Orphanet 2678, MedGen C1861975, MONDO:0007245, OMIM 114030, HP:0007565. Disease mechanism: loss of function.
Focal T2 hyperintense basal ganglia lesion. Identifiers: MedGen C4024926, HP:0007183.
Axillary freckling. Identifiers: MedGen C1860335, HP:0000997.
Hereditary cancer-predisposing syndrome. Also called: Neoplastic Syndromes, Hereditary; Tumor predisposition; Hereditary Cancer Syndrome; Hereditary neoplastic syndrome. Identifiers: Orphanet 140162, MedGen C0027672, MeSH D009386, MONDO:0015356.
Cardiovascular phenotype. Identifiers: MedGen CN230736.
Juvenile myelomonocytic leukemia (JMML). Also called: LEUKEMIA, JUVENILE MYELOMONOCYTIC, SOMATIC. Identifiers: Orphanet 86834, MedGen C0349639, MONDO:0011908, OMIM 607785, HP:0012209.
Neurofibroma. Identifiers: Orphanet 252183, MedGen C0027830, MeSH D009455, MONDO:0016755, HP:0001067.
Neurofibromatosis, familial spinal (FSNF). Identifiers: Orphanet 636, MedGen C1834235, MONDO:0008078, OMIM 162210. Disease mechanism: loss of function.
Neurofibromatosis-Noonan syndrome (NFNS). Also called: NEUROFIBROMATOSIS WITH NOONAN PHENOTYPE. Identifiers: Orphanet 638, MedGen C2931482, MONDO:0011035, OMIM 601321. Disease mechanism: loss of function.
Café-au-lait macules with pulmonary stenosis (WTSN). Also called: PULMONIC STENOSIS WITH CAFE-AU-LAIT SPOTS. Identifiers: MedGen C0553586, MONDO:0008672, OMIM 193520.
Neurofibromatosis, type 1 (NF1). Also called: Peripheral type neurofibromatosis; Neurofibromatosis, type I; VON RECKLINGHAUSEN DISEASE; NEUROFIBROMATOSIS, TYPE I, SOMATIC. Identifiers: Orphanet 636, MedGen C0027831, MONDO:0018975, OMIM 162200. Disease mechanism: loss of function.
Diffuse midline glioma, H3 K27M-mutant. Identifiers: MedGen C4289688, MONDO:0957196.

Allele frequency attached by ClinVar (database versions not stated): gnomAD exomes below 0.00001; ExAC 0.00001; gnomAD 0.00001; TOPMed 0.00001.
gnomAD v4.1: 5 of 1,602,610 alleles (0.00031%); highest among the groups gnomAD compares: African/African-American, 0.0013%; no homozygotes.

Submissions 1 to 11 of 39:

Clinical Genetics Laboratory, Skane University Hospital Lund
Classification: Pathogenic for Neurofibromatosis, type 1. Last evaluated: 2026-09-23. Review status: criteria provided, single submitter. Criteria: ACMG Guidelines, 2015. Collection method: clinical testing. Allele origin: germline. Affected: yes.
Comment: ACMG criteria used: PVS1, PS4 and PM2.

CeGaT Center for Human Genetics Tuebingen
Classification: Pathogenic. Last evaluated: 2026-03-01. Review status: criteria provided, single submitter. Criteria: CeGaT Center For Human Genetics Tuebingen Variant Classification Criteria Version 2. Collection method: clinical testing. Allele origin: germline. Affected: yes. Observed: 2 variant alleles.
Comment: NF1: PVS1, PM2, PP4

Labcorp Genetics (formerly Invitae), Labcorp
Classification: Pathogenic for Neurofibromatosis, type 1. Last evaluated: 2026-01-28. Review status: criteria provided, single submitter. Criteria: Invitae Variant Classification Sherloc (09022015). Collection method: clinical testing. Allele origin: germline.
Comment: This sequence change creates a premature translational stop signal (p.Arg192*) in the NF1 gene. It is expected to result in an absent or disrupted protein product. Loss-of-function variants in NF1 are known to be pathogenic (PMID: 10712197, 23913538). This variant is present in population databases (rs397514641, gnomAD 0.0009%). This premature translational stop signal has been observed in individual(s) with neurofibromatosis type 1 (PMID: 10712197, 10726756, 15146469, 16835897, 21278392, 26056819, 27838393). Invitae Evidence Modeling of clinical and family history, age, sex, and reported ancestry of multiple individuals with this NF1 variant has been performed. This variant is expected to be pathogenic with a positive predictive value of at least 99%. This is a validated machine learning model that incorporates the clinical features of 1,785,918 individuals referred to our laboratory for NF1 testing. ClinVar contains an entry for this variant (Variation ID: 40093). For these reasons, this variant has been classified as Pathogenic.

Variantyx, Inc.
Classification: Pathogenic for Neurofibromatosis, type 1. Last evaluated: 2026-01-06. Review status: criteria provided, single submitter. Criteria: Variantyx Assertion Criteria 2022. Collection method: clinical testing. Allele origin: de novo. Inheritance: Autosomal dominant inheritance. Affected: yes.
Comment: This is a nonsense variant in the NF1 gene (OMIM: 613113). Pathogenic variants in this gene have been associated with autosomal dominant neurofibromatosis type 1. The alteration introduces a premature termination codon in exon 5 out of 58 and is expected to result in loss of function, which is a known disease mechanism for NF1 in this disorder (PMID: 34427956, 10712197, 23913538) (PVS1). This variant has been reported in at least 2 unrelated affected individuals (PMID: 10712197, 16835897) (PS4_Moderate). It has a 0.0013% maximum allele frequency in non-founder control populations (PM2). Based on the current evidence, this variant is classified as pathogenic for autosomal dominant neurofibromatosis type 1.

Myriad Genetics, Inc.
Classification: Pathogenic for Neurofibromatosis, type 1. Last evaluated: 2025-12-26. Review status: criteria provided, single submitter. Criteria: Myriad Autosomal Dominant, Autosomal Recessive and X-Linked Classification Criteria (2023). Collection method: clinical testing. Allele origin: unknown.
Comment: This variant is considered pathogenic. This variant creates a termination codon and is predicted to result in premature protein truncation.

Medical and Scientific Branch, Hong Kong Genome Institute
Classification: Pathogenic for Neurofibromatosis, type 1. Last evaluated: 2025-10-11. Review status: criteria provided, single submitter. Criteria: ACMG Guidelines, 2015. Collection method: clinical testing. Allele origin: de novo. Affected: yes.

Department of Clinical Genetics, Copenhagen University Hospital, Rigshospitalet
Classification: Pathogenic for Neurofibromatosis, type 1. Last evaluated: 2025-10-03. Review status: criteria provided, single submitter. Criteria: ACMG Guidelines, 2015. Collection method: clinical testing. Allele origin: germline.
Comment: The following ACMG criteria has been used: PVS1, PM2_su, PP4_mod, PS4_mod

Dasa
Classification: Pathogenic. Last evaluated: 2025-09-22. Review status: criteria provided, single submitter. Criteria: DASA Assertion Criteria. Collection method: clinical testing. Allele origin: germline.
Comment: NM_001042492.3(NF1):c.574C>T (p.Arg192Ter) introduces a premature termination codon predicted to result in loss of normal protein function. Loss-of-function is an established mechanism of disease for this gene. Segregation evidence has been reported in affected families. This variant has been recurrently observed in individuals with related phenotype (PMID: 10712197; PMID: 17406642; PMID: 10726756; PMID: 27838393; PMID: 34427956). The variant is present at low frequency in population datasets. Based on the available data, this variant is classified as pathogenic.

Mayo Clinic Laboratories, Mayo Clinic
Classification: Pathogenic. Last evaluated: 2025-06-24. Review status: criteria provided, single submitter. Criteria: ACMG Guidelines, 2015. Collection method: clinical testing. Allele origin: germline. Observed: 4 variant alleles.
Comment: PP1, PP4, PM2_supporting, PM6, PS3, PVS1

Ambry Genetics
Classification: Pathogenic for Cardiovascular phenotype; Hereditary cancer-predisposing syndrome. Last evaluated: 2025-05-08. Review status: criteria provided, single submitter. Criteria: Ambry Variant Classification Scheme 2023. Collection method: clinical testing. Allele origin: germline.
Comment: The p.R192* pathogenic mutation (also known as c.574C>T), located in coding exon 5 of the NF1 gene, results from a C to T substitution at nucleotide position 574. This changes the amino acid from an arginine to a stop codon within coding exon 5. This mutation has been identified in numerous individuals who meet clinical criteria for neurofibromatosis type 1 (NF1) (Toliat MR et al. Electrophoresis. 2000 Feb;21:541-4; Fahsold R et al. Am. J. Hum. Genet. 2000 Mar;66:790-818; De Luca A et al. Hum. Mutat. 2004 Jun;23:629; Lee MJ et al. Hum. Mutat. 2006 Aug;27:832; Cali F et. al Eur J Med Genet. 2017 Feb;60(2):93-99; Wu-Chou YH et al. J. Biomed. Sci. 2018 Oct;25(1):72). In addition to the clinical data presented in the literature, this alteration is expected to result in loss of function by premature protein truncation or nonsense-mediated mRNA decay. As such, this alteration is interpreted as a disease-causing mutation.

3billion
Classification: Pathogenic for Neurofibromatosis, type 1. Last evaluated: 2025-02-21. Review status: criteria provided, single submitter. Criteria: ACMG Guidelines, 2015. Collection method: clinical testing. Allele origin: germline. Affected: yes.
Comment: The variant is observed at an extremely low frequency in the gnomAD v4.1.0 dataset (total allele frequency: <0.001%). Predicted Consequence/Location: Stop-gained (nonsense): predicted to result in a loss or disruption of normal protein function through nonsense-mediated decay (NMD) or protein truncation. Multiple pathogenic variants are reported downstream of the variant. The variant has been reported at least twice as pathogenic with clinical assertions and evidence for the classification (ClinVar ID: VCV000040093 /PMID: 10726756 /3billion dataset). Therefore, this variant is classified as Pathogenic according to the recommendation of ACMG/AMP guideline.